The following is an entry in ClinVar:

ClinVar aggregate classification (germline): Uncertain significance (1 of 4 stars; one submission).

gnomAD v4.1: 1 of 1,611,426 alleles (0.000062%); highest among the groups gnomAD compares: East Asian, 0.0022%; no homozygotes.

Submission:

Labcorp Genetics (formerly Invitae), Labcorp
Classification: Uncertain significance. Last evaluated: 2022-10-15. Review status: criteria provided, single submitter. Criteria: Invitae Variant Classification Sherloc (09022015). Collection method: clinical testing. Allele origin: germline.
Comment: In summary, the available evidence is currently insufficient to determine the role of this variant in disease. Therefore, it has been classified as a Variant of Uncertain Significance. Advanced modeling of protein sequence and biophysical properties (such as structural, functional, and spatial information, amino acid conservation, physicochemical variation, residue mobility, and thermodynamic stability) performed at Invitae indicates that this missense variant is not expected to disrupt KCNQ5 protein function. This variant has not been reported in the literature in individuals affected with KCNQ5-related conditions. This variant is present in population databases (no rsID available, gnomAD 0.006%). This sequence change replaces asparagine, which is neutral and polar, with lysine, which is basic and polar, at codon 117 of the KCNQ5 protein (p.Asn117Lys).

NM_019842.4(KCNQ5):c.351C>A (p.Asn117Lys)

Genes: KCNQ5 (potassium voltage-gated channel subfamily Q member 5; plus strand), KCNQ5-DT (KCNQ5 divergent transcript; minus strand). Cytogenetic location: 6q13.
Variant type: single nucleotide variant.
Coding change: c.351C>A on transcript NM_019842.4 (MANE Select); coding-DNA position 351, C replaced by A.
Protein change: p.Asn117Lys; replaces asparagine 117 with lysine.
Molecular consequence: missense variant.
Genome position (GRCh38, 1-based): chr6:72,622,540, C>A. VCF-style: chr6-72622540-C-A. GRCh37 (hg19) VCF-style: chr6-73332268-C-A.
Other names: c.351C>A, p.Asn117Lys (NM_001160130.2, NM_001160132.2, NM_001160133.2 and 1 more transcripts); short protein forms N117K.
Identifiers: ClinVar variation 2005378 (VCV002005378.4), dbSNP rs776481727, ClinGen allele CA364824665.